The following is an entry in ClinVar:

NM_003873.7(NRP1):c.28G>T (p.Ala10Ser)

Gene: NRP1 (neuropilin 1; minus strand). Cytogenetic location: 10p11.22.
Variant type: single nucleotide variant.
Coding change: c.28G>T on transcript NM_003873.7 (MANE Select); coding-DNA position 28, G replaced by T.
Protein change: p.Ala10Ser; replaces alanine 10 with serine.
Molecular consequence: missense variant. On other transcripts: non-coding transcript variant (1).
Genome position (GRCh38, 1-based): chr10:33,334,355, C>A on the plus strand (G>T on the coding strand, the complement: NRP1 is on the minus strand). VCF-style: chr10-33334355-C-A. GRCh37 (hg19) VCF-style: chr10-33623283-C-A.
Other names: c.28G>T, p.Ala10Ser (NM_001024628.3, NM_001024629.3, NM_001244972.2 and 2 more transcripts); short protein forms A10S.
Identifiers: ClinVar variation 4982832 (VCV004982832.1).

ClinVar aggregate classification (germline): Uncertain significance (1 of 4 stars; one submission).

Conditions:
NRP1-related disorder. Also called: NRP1-related condition.

gnomAD v4.1: 1 of 1,546,580 alleles (0.000065%); highest among the groups gnomAD compares: Admixed American, 0.0019%; no homozygotes.

Submission:

PreventionGenetics, part of Exact Sciences
Classification: Uncertain significance for NRP1-related condition. Last evaluated: 2026-01-29. Review status: criteria provided, single submitter. Criteria: ACMG Guidelines, 2015. Collection method: clinical testing. Allele origin: germline.
Comment: The NRP1 c.28G>T variant is predicted to result in the amino acid substitution p.Ala10Ser. To our knowledge, this variant has not been reported in the literature or in a large population database (gnomAD), indicating this variant is rare. At this time, the clinical significance of this variant is uncertain due to the absence of conclusive functional and genetic evidence.